The following is an entry in ClinVar:

ClinVar aggregate classification (germline): Uncertain significance (1 of 4 stars; one submission).

Conditions:
Sitosterolemia 1. Identifiers: MedGen C2749759, MONDO:0020747, OMIM 210250.

Allele frequency attached by ClinVar (database versions not stated): ExAC 0.00002.
gnomAD v4.1: 9 of 1,614,236 alleles (0.00056%); highest among the groups gnomAD compares: South Asian, 0.0088%; no homozygotes.

Submission:

Neuberg Centre For Genomic Medicine, NCGM
Classification: Uncertain significance for Sitosterolemia 1. Review status: criteria provided, single submitter. Criteria: ACMG Guidelines, 2015. Collection method: clinical testing. Allele origin: germline. Inheritance: Autosomal recessive inheritance. Affected: yes.
Comment: The missense variant c.404A>T (p.Asn135Ile) in ABCG8 gene has not been reported previously as a pathogenic variant nor as a benign variant, to our knowledge. This variant is reported with the allele frequency (0.002%) in the gnomad and novel in 1000 genome database. The amino acid Asparagine at position 135 is changed to a Isoleucine changing protein sequence and it might alter its composition and physico-chemical properties. The variant is predicted to be damaging by both SIFT and PolyPhen2. The residue is conserved across species. For these reasons, this variant has been classified as Uncertain Significance.

NM_022437.3(ABCG8):c.404A>T (p.Asn135Ile)

Gene: ABCG8 (ATP binding cassette subfamily G member 8; plus strand). Cytogenetic location: 2p21.
Variant type: single nucleotide variant.
Coding change: c.404A>T on transcript NM_022437.3 (MANE Select); coding-DNA position 404, A replaced by T.
Protein change: p.Asn135Ile; replaces asparagine 135 with isoleucine.
Molecular consequence: missense variant.
Genome position (GRCh38, 1-based): chr2:43,851,665, A>T. VCF-style: chr2-43851665-A-T. GRCh37 (hg19) VCF-style: chr2-44078804-A-T.
Other names: c.404A>T, p.Asn135Ile (NM_001357321.2); short protein forms N135I.
Identifiers: ClinVar variation 2585399 (VCV002585399.1), dbSNP rs757060667, ClinGen allele CA1637008.